The following is an entry in ClinVar:

ClinVar aggregate classification (germline): Pathogenic (1 of 4 stars; one submission).

Conditions:
Loeys-Dietz syndrome 1 (LDS1). Also called: TGFBR1-Related Loeys-Dietz Syndrome; FURLONG SYNDROME; AORTIC ANEURYSM, FAMILIAL THORACIC 5. Identifiers: Orphanet 60030, MedGen C4551955, MONDO:0012212, OMIM 609192.

Submission:

Institute of Human Genetics, University of Leipzig Medical Center
Classification: Pathogenic for Loeys-Dietz syndrome 1. Last evaluated: 2025-05-26. Review status: criteria provided, single submitter. Criteria: ACMG Guidelines, 2015. Collection method: clinical testing. Allele origin: unknown. Inheritance: Autosomal dominant inheritance. Affected: yes.
Comment: Criteria applied: PVS1,PM2

NM_004612.4(TGFBR1):c.91del (p.Ala31fs)

Gene: TGFBR1 (transforming growth factor beta receptor 1; plus strand). Cytogenetic location: 9q22.33.
Variant type: Deletion.
Coding change: c.91del on transcript NM_004612.4 (MANE Select); coding-DNA position 91, one base deleted (G; older notation c.91delG).
Protein change: p.Ala31fs; shifts the reading frame from alanine 31.
Molecular consequence: frameshift variant. On other transcripts: 5 prime UTR variant (5), non-coding transcript variant (4), intron variant (8).
Genome position (GRCh38, 1-based): chr9:99,105,296, G deleted; the last of 5 consecutive G bases (chr9:99,105,292-99,105,296); deleting any one gives the same sequence. VCF-style (leftmost placement, unchanged base first): chr9-99105291-CG-C. GRCh37 (hg19) VCF-style: chr9-101867573-CG-C.
Other names: c.91del, p.Ala31fs (NM_001130916.3, NM_001306210.2, NM_001407416.1 and 5 more transcripts); c.-253del (NM_001407420.1, NM_001407429.1); c.-222del (NM_001407422.1, NM_001407426.1); c.-177del (NM_001407428.1); c.-111+1555del (NM_001407418.1, NM_001407423.1); c.-111+1190del (NM_001407424.1); c.-111+777del (NM_001407425.1); c.-111+570del (NM_001407434.1); and 2 more; short protein forms A31fs.
Identifiers: ClinVar variation 3901184 (VCV003901184.1).
Genomic context (GRCh38, chr9:99,105,291, plus strand): 5'-GTCCCCGGCTGCTCCTCCTCGTGCTGGCGGCGGCGGCGGCGGCGGCGGCGGCGCTGCTCC[CG>C]GGGGCGACGGGTGAGCGGCGGCGCGGCGGGCGGGCGACTGCGGGGCGCGCGGGCCGGACC-3'